The following is an entry in ClinVar:

ClinVar aggregate classification (germline): Benign (1 of 4 stars; one submission).

Allele frequency attached by ClinVar (database versions not stated): 1000 Genomes Project 0.24281; TOPMed 0.33721; 1000 Genomes Project 30x 0.24735; gnomAD 0.37353.
gnomAD v4.1: 48,531 of 129,166 alleles (38%); highest among the groups gnomAD compares: Middle Eastern, 47%; 8,839 homozygotes.

Submission:

GeneDx
Classification: Benign. Last evaluated: 2018-06-19. Review status: criteria provided, single submitter. Criteria: GeneDx Variant Classification (06012015). Collection method: clinical testing. Allele origin: germline. Affected: yes.
Comment: This variant is considered likely benign or benign based on one or more of the following criteria: it is a conservative change, it occurs at a poorly conserved position in the protein, it is predicted to be benign by multiple in silico algorithms, and/or has population frequency not consistent with disease.

NM_001851.6(COL9A1):c.1450-270C>T

Gene: COL9A1 (collagen type IX alpha 1 chain; minus strand). Cytogenetic location: 6q13.
Variant type: single nucleotide variant.
Coding change: c.1450-270C>T on transcript NM_001851.6 (MANE Select); 270 bases into the intron before coding-DNA position 1450, C replaced by T.
Molecular consequence: intron variant.
Genome position (GRCh38, 1-based): chr6:70,257,091, G>A on the plus strand (C>T on the coding strand, the complement: COL9A1 is on the minus strand). VCF-style: chr6-70257091-G-A. GRCh37 (hg19) VCF-style: chr6-70966794-G-A.
Other names: c.721-270C>T (NM_001377290.1, NM_078485.4, NM_001377289.1).
Identifiers: ClinVar variation 683417 (VCV000683417.1), dbSNP rs1711729, ClinGen allele CA12197344.